The following is an entry in ClinVar:

ClinVar aggregate classification (germline): Uncertain significance (1 of 4 stars; one submission).

Allele frequency attached by ClinVar (database versions not stated): gnomAD exomes below 0.00001.
gnomAD v4.1: 1 of 1,614,156 alleles (0.000062%); highest among the groups gnomAD compares: Non-Finnish European, 0.000085%; no homozygotes.

Submission:

Ambry Genetics
Classification: Uncertain significance. Last evaluated: 2023-02-20. Review status: criteria provided, single submitter. Criteria: Ambry Variant Classification Scheme 2023. Collection method: clinical testing. Allele origin: germline.
Comment: The p.N1105I variant (also known as c.3314A>T), located in coding exon 4 of the ALPK2 gene, results from an A to T substitution at nucleotide position 3314. The asparagine at codon 1105 is replaced by isoleucine, an amino acid with dissimilar properties. This amino acid position is conserved. In addition, this alteration is predicted to be tolerated by in silico analysis. Since supporting evidence is limited at this time, the clinical significance of this alteration remains unclear.

NM_052947.4(ALPK2):c.3314A>T (p.Asn1105Ile)

Gene: ALPK2 (alpha kinase 2; minus strand). Cytogenetic location: 18q21.31.
Variant type: single nucleotide variant.
Coding change: c.3314A>T on transcript NM_052947.4 (MANE Select); coding-DNA position 3314, A replaced by T.
Protein change: p.Asn1105Ile; replaces asparagine 1105 with isoleucine.
Molecular consequence: missense variant.
Genome position (GRCh38, 1-based): chr18:58,536,873, T>A on the plus strand (A>T on the coding strand, the complement: ALPK2 is on the minus strand). VCF-style: chr18-58536873-T-A. GRCh37 (hg19) VCF-style: chr18-56204105-T-A.
Other names: short protein forms N1105I.
Identifiers: ClinVar variation 2449287 (VCV002449287.2), dbSNP rs2518876609, ClinGen allele CA402568646.